The following is an entry in ClinVar:

ClinVar aggregate classification (germline): Conflicting classifications of pathogenicity. Review status: criteria provided, conflicting classifications (1 of 4 stars). 7 submissions from 7 submitters: Uncertain significance (6); Likely benign (1). Last evaluated 2025-11-24.

Conditions:
Dilated cardiomyopathy 1G (CMD1G). Identifiers: Orphanet 154, MedGen C1858763, MONDO:0011400, OMIM 604145.
Autosomal recessive limb-girdle muscular dystrophy type 2J (LGMDR10). Also called: Limb-girdle muscular dystrophy, type 2J; MUSCULAR DYSTROPHY, LIMB-GIRDLE, AUTOSOMAL RECESSIVE 10. Identifiers: Orphanet 140922, MedGen C1837342, MONDO:0012127, OMIM 608807.
Cardiovascular phenotype. Identifiers: MedGen CN230736.

Allele frequency attached by ClinVar (database versions not stated): ExAC 0.00001; gnomAD 0.00001; gnomAD exomes 0.00002; TOPMed 0.00003; ESP Exome Variant Server 0.00008.
gnomAD v4.1: 13 of 1,613,982 alleles (0.00081%); highest among the groups gnomAD compares: Non-Finnish European, 0.001%; no homozygotes.

Submissions (7):

GeneDx
Classification: Uncertain significance. Last evaluated: 2025-11-24. Review status: criteria provided, single submitter. Criteria: GeneDx Variant Classification Process June 2021. Collection method: clinical testing. Allele origin: germline.
Comment: Not observed at significant frequency in large population cohorts (gnomAD); Missense variant in a gene in which most reported pathogenic variants are truncating/loss of function; Has not been previously published as pathogenic or benign to our knowledge

Blueprint Genetics
Classification: Likely benign. Last evaluated: 2024-11-20. Review status: criteria provided, single submitter. Criteria: ACMG Guidelines, 2015. Collection method: clinical testing. Allele origin: germline.

Women's Health and Genetics/Laboratory Corporation of America, LabCorp
Classification: Uncertain significance. Last evaluated: 2024-04-08. Review status: criteria provided, single submitter. Criteria: LabCorp Variant Classification Summary - May 2015. Collection method: clinical testing. Allele origin: germline.
Comment: Variant summary: TTN c.2233A>G (p.Lys745Glu) results in a conservative amino acid change located in the Z-disc region of the encoded protein sequence. Four of five in-silico tools predict a benign effect of the variant on protein function. The variant allele was found at a frequency of 1.6e-05 in 251104 control chromosomes. The available data on variant occurrences in the general population are insufficient to allow any conclusion about variant significance. To our knowledge, no occurrence of c.2233A>G in individuals affected with TTN-related conditions and no experimental evidence demonstrating its impact on protein function have been reported. ClinVar contains an entry for this variant (Variation ID: 404767). Based on the evidence outlined above, the variant was classified as uncertain significance.

Mayo Clinic Laboratories, Mayo Clinic
Classification: Uncertain significance. Last evaluated: 2023-05-02. Review status: criteria provided, single submitter. Criteria: ACMG Guidelines, 2015. Collection method: clinical testing. Allele origin: germline. Observed: 1 variant allele.
Comment: BP4

Athena Diagnostics
Classification: Uncertain significance. Last evaluated: 2019-04-10. Review status: criteria provided, single submitter. Criteria: Athena Diagnostics Criteria. Collection method: clinical testing. Allele origin: germline.

Ambry Genetics
Classification: Uncertain significance for Cardiovascular phenotype. Last evaluated: 2017-03-21. Review status: criteria provided, single submitter. Criteria: Ambry Variant Classification Scheme 2023. Collection method: clinical testing. Allele origin: germline.
Comment: The p.K699E variant (also known as c.2095A>G), located in coding exon 12 of the TTN gene, results from an A to G substitution at nucleotide position 2095. The lysine at codon 699 is replaced by glutamic acid, an amino acid with similar properties. This amino acid position is not well conserved in available vertebrate species. In addition, this alteration is predicted to be tolerated by in silico analysis. Since supporting evidence is limited at this time, the clinical significance of this alteration remains unclear.

Labcorp Genetics (formerly Invitae), Labcorp
Classification: Uncertain significance for Dilated cardiomyopathy 1G; Autosomal recessive limb-girdle muscular dystrophy type 2J. Last evaluated: 2016-09-02. Review status: criteria provided, single submitter. Criteria: Invitae Variant Classification Sherloc (09022015). Collection method: clinical testing. Allele origin: germline.

NM_001267550.2(TTN):c.2233A>G (p.Lys745Glu)

Gene: TTN (titin; minus strand). Cytogenetic location: 2q31.2.
Variant type: single nucleotide variant.
Coding change: c.2233A>G on transcript NM_001267550.2 (MANE Select); coding-DNA position 2233, A replaced by G.
Protein change: p.Lys745Glu; replaces lysine 745 with glutamic acid.
Molecular consequence: missense variant.
Genome position (GRCh38, 1-based): chr2:178,785,985, T>C on the plus strand (A>G on the coding strand, the complement: TTN is on the minus strand). VCF-style: chr2-178785985-T-C. GRCh37 (hg19) VCF-style: chr2-179650712-T-C.
Other names: p.Lys745Glu; c.2095A>G, p.Lys699Glu (NM_003319.4, NM_133432.3, NM_133437.4); c.2233A>G, p.Lys745Glu (NM_001256850.1, NM_133378.4, NM_133379.5); short protein forms K745E, K699E.
Identifiers: ClinVar variation 404767 (VCV000404767.13), dbSNP rs139957325, ClinGen allele CA2005870.
Genomic context (GRCh38, chr2:178,785,985, plus strand): 5'-TGACTGCTTTAGGGACAACGTGGGGTTCTGAGGCTGGACGTTGGGGAGGCTCAGCTACCT[T>C]TGCGGCGGAAATGCGTTCCTTATATCCGTACTCCAAAGTGGTCTGCTGAGCATAGGATTC-3'
Protein context (NP_001254479.2, residues 735-755): YGYKERISAA[Lys745Glu]VAEPPQRPAS